The following is an entry in ClinVar:

NM_001330260.2(SCN8A):c.424A>G (p.Ile142Val)

Gene: SCN8A (sodium voltage-gated channel alpha subunit 8; plus strand). Cytogenetic location: 12q13.13.
Variant type: single nucleotide variant.
Coding change: c.424A>G on transcript NM_001330260.2 (MANE Select); coding-DNA position 424, A replaced by G.
Protein change: p.Ile142Val; replaces isoleucine 142 with valine.
Molecular consequence: missense variant.
Genome position (GRCh38, 1-based): chr12:51,686,396, A>G. VCF-style: chr12-51686396-A-G. GRCh37 (hg19) VCF-style: chr12-52080180-A-G.
Other names: c.424A>G (NM_014191.3); c.424A>G, p.Ile142Val (NM_001177984.3, NM_001369788.1, NM_014191.4); short protein forms I142V.
Identifiers: ClinVar variation 1465027 (VCV001465027.21), dbSNP rs2138711868, ClinGen allele CA385221645.

ClinVar aggregate classification (germline): Pathogenic/Likely pathogenic. Review status: criteria provided, multiple submitters, no conflicts (2 of 4 stars). 7 submissions from 7 submitters: Pathogenic (4); Likely pathogenic (2). 1 of the submissions does not count toward it. Last evaluated 2025-10-22.

Conditions:
Early-infantile DEE. Also called: Early infantile epileptic encephalopathy; Ohtahara syndrome; Early infantile epileptic encephalopathy with suppression bursts. Identifiers: Orphanet 1934, MedGen C0393706, MONDO:0800491.
Seizures, benign familial infantile, 5 (BFIS5). Also called: CONVULSIONS, BENIGN FAMILIAL INFANTILE, 5. Identifiers: Orphanet 306, MedGen C4310728, MONDO:0014903, OMIM 617080.
Developmental and epileptic encephalopathy, 13 (DEE13). Also called: Early infantile epileptic encephalopathy 13; Developmental and Epileptic Encephalopathy (SCN8A-DEE); SCN8A-Related Epilepsy. Identifiers: Orphanet 442835, MedGen C3281191, MONDO:0013801, OMIM 614558.
SCN8A-related disorder.

Submissions (7):

3billion
Classification: Pathogenic for SCN8A-related disorder. Last evaluated: 2025-10-22. Review status: criteria provided, single submitter. Criteria: ACMG Guidelines, 2015. Collection method: clinical testing. Allele origin: germline. Affected: yes.
Comment: The variant is not observed in the gnomAD v4.1.0 dataset. Predicted Consequence/Location: Missense variant In silico tool predictions suggest damaging effect of the variant on gene or gene product [REVEL: 0.86 (>=0.6, sensitivity 0.68 and specificity 0.92); 3Cnet: 0.94 (> 0.75, sensitivity 0.96 and precision 0.92)]. The same nucleotide change resulting in the same amino acid change has been previously reported as pathogenic/likely pathogenic with strong evidence (ClinVar ID: VCV001465027 /PMID: 31026061). The variant has been previously reported as de novo in a similarly affected individual (PMID: 31026061). Therefore, this variant is classified as Pathogenic according to the recommendation of ACMG/AMP guideline.

Excellence Center for Genomics and Precision Medicine, King Chulalongkorn Memorial Hospital
Classification: Likely pathogenic for Developmental and epileptic encephalopathy, 13. Last evaluated: 2025-10-01. Review status: criteria provided, single submitter. Criteria: ACMG Guidelines, 2015. Collection method: clinical testing. Allele origin: germline. Affected: yes.
Comment: PS2_moderate, PM2_supporting, PP3_moderate, PS4_moderate

Labcorp Genetics (formerly Invitae), Labcorp
Classification: Pathogenic for Early-infantile DEE. Last evaluated: 2024-12-16. Review status: criteria provided, single submitter. Criteria: Invitae Variant Classification Sherloc (09022015). Collection method: clinical testing. Allele origin: germline.
Comment: This sequence change replaces isoleucine, which is neutral and non-polar, with valine, which is neutral and non-polar, at codon 142 of the SCN8A protein (p.Ile142Val). This variant is not present in population databases (gnomAD no frequency). This missense change has been observed in individual(s) with SCN8A-related conditions (PMID: 31026061, 31675620, 34431999). In at least one individual the variant was observed to be de novo. ClinVar contains an entry for this variant (Variation ID: 1465027). Invitae Evidence Modeling of protein sequence and biophysical properties (such as structural, functional, and spatial information, amino acid conservation, physicochemical variation, residue mobility, and thermodynamic stability) has been performed for this missense variant. However, the output from this modeling did not meet the statistical confidence thresholds required to predict the impact of this variant on SCN8A protein function. For these reasons, this variant has been classified as Pathogenic.

Institute of Human Genetics Munich, TUM University Hospital
Classification: Pathogenic for Developmental and epileptic encephalopathy, 13. Last evaluated: 2024-11-06. Review status: criteria provided, single submitter. Criteria: Classification criteria August 2017. Collection method: clinical testing. Allele origin: de novo. Inheritance: Autosomal dominant inheritance. Affected: yes. Observed: 1 variant allele.

GeneDx
Classification: Likely pathogenic. Last evaluated: 2023-02-14. Review status: criteria provided, single submitter. Criteria: GeneDx Variant Classification Process June 2021. Collection method: clinical testing. Allele origin: germline. Affected: yes.
Comment: Not observed at significant frequency in large population cohorts (gnomAD); This substitution is predicted to be within the transmembrane segment S1 of the first homologous domain; In silico analysis supports that this missense variant does not alter protein structure/function; Missense variants in this gene are often considered pathogenic (HGMD); This variant is associated with the following publications: (PMID: 32090326, 36007526, 34979445, 31026061)

Rady Children's Institute for Genomic Medicine, Rady Children's Hospital San Diego
Classification: Pathogenic for SCN8A-related disorder. Review status: criteria provided, single submitter. Criteria: ACMG Guidelines, 2015. Collection method: clinical testing. Allele origin: germline. Affected: yes.
Comment: This variant has been previously reported as a de novo change in a patient with seizures, axial hypotonia, peripheral hypertonia, no eyes tracking and, of unknown inheritance, in a patient with developmental and epileptic encephalopathy (PMID: 30968951, 32090326). It is absent from the gnomAD population database and thus is presumed to be rare. The c.424A>G (p.Ile142Val) variant affects a highly conserved amino acid and is predicted by multiple in silico tools to have a deleterious effect on protein function. Analysis of the parental samples was negative for the variant, indicating this variant likely occurred as a de novo event. Based on the available evidence, the c.424A>G (p.Ile142Val) variant is classified as Pathogenic.

Center of Excellence for Medical Genomics, Chulalongkorn University
Classification: Pathogenic for Seizures, benign familial infantile, 5. Last evaluated: 2002-09-08. Review status: no assertion criteria provided. Collection method: research. Allele origin: de novo. Affected: yes. Not counted in ClinVar's aggregate classification.

Literature cited by the submitters: PubMed 31026061 (cited by 3billion and Labcorp Genetics (formerly Invitae), Labcorp); PubMed 31675620 (cited by Labcorp Genetics (formerly Invitae), Labcorp); PubMed 34431999 (cited by Labcorp Genetics (formerly Invitae), Labcorp).